The following is an entry in ClinVar:

NM_207361.6(FREM2):c.437C>G (p.Pro146Arg)

Gene: FREM2 (FRAS1 related extracellular matrix 2; plus strand). Cytogenetic location: 13q13.3.
Variant type: single nucleotide variant.
Coding change: c.437C>G on transcript NM_207361.6 (MANE Select); coding-DNA position 437, C replaced by G.
Protein change: p.Pro146Arg; replaces proline 146 with arginine.
Molecular consequence: missense variant.
Genome position (GRCh38, 1-based): chr13:38,687,781, C>G. VCF-style: chr13-38687781-C-G. GRCh37 (hg19) VCF-style: chr13-39261918-C-G.
Other names: c.437C>G (NM_207361.5, NM_207361.4); short protein forms P146R.
Identifiers: ClinVar variation 2413596 (VCV002413596.7), dbSNP rs564740435, ClinGen allele CA6954205.

ClinVar aggregate classification (germline): Conflicting classifications of pathogenicity. Review status: criteria provided, conflicting classifications (1 of 4 stars). 5 submissions from 5 submitters: Uncertain significance (3); Likely benign (2). Last evaluated 2026-01-08.

Conditions:
FREM2-related disorder. Also called: FREM2-related condition.
Isolated cryptophthalmia. Also called: Cryptophthalmos, unilateral or bilateral, isolated; ANKYLOBLEPHARON, SIMPLE. Identifiers: Orphanet 91396, MedGen C1852453, MONDO:0007410, OMIM 123570.
Fraser syndrome 2 (FRASRS2). Identifiers: MedGen C4540036, MONDO:0054738, OMIM 617666.
Inborn genetic diseases. Identifiers: MedGen C0950123, MeSH D030342.

Allele frequency attached by ClinVar (database versions not stated): 1000 Genomes Project 0.00020; 1000 Genomes Project 30x 0.00031.
gnomAD v4.1: 234 of 1,536,336 alleles (0.015%); highest among the groups gnomAD compares: South Asian, 0.14%; no homozygotes.

Submissions (5):

PreventionGenetics, part of Exact Sciences
Classification: Likely benign for FREM2-related condition. Last evaluated: 2026-01-08. Review status: criteria provided, single submitter. Criteria: ACMG Guidelines, 2015. Collection method: clinical testing. Allele origin: germline.
Comment: This variant is classified as likely benign based on ACMG/AMP sequence variant interpretation guidelines (Richards et al. 2015 PMID: 25741868, with internal and published modifications).

3billion
Classification: Likely benign for Isolated cryptophthalmia; Fraser syndrome 2. Last evaluated: 2024-09-20. Review status: criteria provided, single submitter. Criteria: ACMG Guidelines, 2015. Collection method: clinical testing. Allele origin: germline. Affected: no.
Comment: The homozygous variant was found in patients diagnosed with another variant in a different gene, with no symptoms related to the gene containing the homozygous variant.

Ambry Genetics
Classification: Uncertain significance for Inborn genetic diseases. Last evaluated: 2024-08-14. Review status: criteria provided, single submitter. Criteria: Ambry Variant Classification Scheme 2023. Collection method: clinical testing. Allele origin: germline.

GeneDx
Classification: Uncertain significance. Last evaluated: 2024-06-26. Review status: criteria provided, single submitter. Criteria: GeneDx Variant Classification Process June 2021. Collection method: clinical testing. Allele origin: germline. Affected: yes.
Comment: In silico analysis supports that this missense variant has a deleterious effect on protein structure/function; Has not been previously published as pathogenic or benign to our knowledge

Labcorp Genetics (formerly Invitae), Labcorp
Classification: Uncertain significance. Last evaluated: 2022-06-22. Review status: criteria provided, single submitter. Criteria: Invitae Variant Classification Sherloc (09022015). Collection method: clinical testing. Allele origin: germline.
Comment: This sequence change replaces proline, which is neutral and non-polar, with arginine, which is basic and polar, at codon 146 of the FREM2 protein (p.Pro146Arg). This variant is present in population databases (rs564740435, gnomAD 0.2%). This variant has not been reported in the literature in individuals affected with FREM2-related conditions. Algorithms developed to predict the effect of missense changes on protein structure and function are either unavailable or do not agree on the potential impact of this missense change (SIFT: "Deleterious"; PolyPhen-2: "Possibly Damaging"; Align-GVGD: "Class C0"). In summary, the available evidence is currently insufficient to determine the role of this variant in disease. Therefore, it has been classified as a Variant of Uncertain Significance.